The following is an entry in ClinVar:

NM_181458.4(PAX3):c.793-1G>A

Gene: PAX3 (paired box 3; minus strand). Cytogenetic location: 2q36.1.
Variant type: single nucleotide variant.
Coding change: c.793-1G>A on transcript NM_181458.4 (MANE Select); the canonical splice acceptor site of the intron before coding-DNA position 793, G replaced by A.
Molecular consequence: splice acceptor variant.
Genome position (GRCh38, 1-based): chr2:222,221,388, C>T on the plus strand (G>A on the coding strand, the complement: PAX3 is on the minus strand). VCF-style: chr2-222221388-C-T. GRCh37 (hg19) VCF-style: chr2-223086107-C-T.
Other names: c.790-1G>A (NM_001127366.3); c.793-1G>A (NM_181460.4, NM_181461.4, NM_181459.4 and 1 more transcripts).
Identifiers: ClinVar variation 3601592 (VCV003601592.3).

ClinVar aggregate classification (germline): Pathogenic. Review status: criteria provided, multiple submitters, no conflicts (2 of 4 stars). 2 submissions from 2 submitters: Pathogenic (2). Last evaluated 2025-08-08.

Conditions:
Waardenburg syndrome type 1 (WS1). Also called: WAARDENBURG SYNDROME WITH DYSTOPIA CANTHORUM; Waardenburg Syndrome Type I. Identifiers: Orphanet 894, MedGen C1847800, MONDO:0008670, OMIM 193500.

Submissions (2):

Labcorp Genetics (formerly Invitae), Labcorp
Classification: Pathogenic. Last evaluated: 2025-08-08. Review status: criteria provided, single submitter. Criteria: Invitae Variant Classification Sherloc (09022015). Collection method: clinical testing. Allele origin: germline.
Comment: This sequence change affects an acceptor splice site in intron 5 of the PAX3 gene. It is expected to disrupt RNA splicing. Variants that disrupt the donor or acceptor splice site typically lead to a loss of protein function (PMID: 16199547), and loss-of-function variants in PAX3 are known to be pathogenic (PMID: 20127975, 23512835). This variant is not present in population databases (gnomAD no frequency). Disruption of this splice site has been observed in individual(s) with clinical features of autosomal dominant PAX3-related conditions (PMID: 23512835). In at least one individual the variant was observed to be de novo. ClinVar contains an entry for this variant (Variation ID: 3601592). Algorithms developed to predict the effect of sequence changes on RNA splicing suggest that this variant may disrupt the consensus splice site. For these reasons, this variant has been classified as Pathogenic.

Institute of Rare Diseases, West China Hospital, Sichuan University
Classification: Pathogenic for Waardenburg syndrome type 1. Last evaluated: 2025-01-09. Review status: criteria provided, single submitter. Criteria: ClinGen HL ACMG Specifications v1. Collection method: research. Allele origin: germline. Affected: yes.
Comment: PM1;PVS1;PM2_Supporting

Literature cited by the submitters: PubMed 16199547 (cited by Labcorp Genetics (formerly Invitae), Labcorp); PubMed 20127975 (cited by Labcorp Genetics (formerly Invitae), Labcorp); PubMed 23512835 (cited by Labcorp Genetics (formerly Invitae), Labcorp).